The following is an entry in ClinVar:

ClinVar aggregate classification (germline): Uncertain significance. Review status: criteria provided, multiple submitters, no conflicts (2 of 4 stars). 2 submissions from 2 submitters: Uncertain significance (2). Last evaluated 2023-12-18.

Conditions:
Inborn genetic diseases. Identifiers: MedGen C0950123, MeSH D030342.

Allele frequency attached by ClinVar (database versions not stated): TOPMed below 0.00001; ExAC 0.00002.
gnomAD v4.1: 132 of 1,609,974 alleles (0.0082%); highest among the groups gnomAD compares: Non-Finnish European, 0.011%; no homozygotes.

Submissions (2):

Ambry Genetics
Classification: Uncertain significance for Inborn genetic diseases. Last evaluated: 2023-12-18. Review status: criteria provided, single submitter. Criteria: Ambry Variant Classification Scheme 2023. Collection method: clinical testing. Allele origin: germline.

Labcorp Genetics (formerly Invitae), Labcorp
Classification: Uncertain significance. Last evaluated: 2021-08-14. Review status: criteria provided, single submitter. Criteria: Invitae Variant Classification Sherloc (09022015). Collection method: clinical testing. Allele origin: germline.
Comment: This sequence change replaces isoleucine with methionine at codon 891 of the PTPN23 protein (p.Ile891Met). The isoleucine residue is weakly conserved and there is a small physicochemical difference between isoleucine and methionine. This variant is present in population databases (rs760796648, ExAC 0.004%). This variant has not been reported in the literature in individuals affected with PTPN23-related conditions. Algorithms developed to predict the effect of missense changes on protein structure and function are either unavailable or do not agree on the potential impact of this missense change (SIFT: "Tolerated"; PolyPhen-2: "Not Available"; Align-GVGD: "Class C0"). In summary, the available evidence is currently insufficient to determine the role of this variant in disease. Therefore, it has been classified as a Variant of Uncertain Significance.

NM_015466.4(PTPN23):c.2673C>G (p.Ile891Met)

Gene: PTPN23 (protein tyrosine phosphatase non-receptor type 23; plus strand). Cytogenetic location: 3p21.31.
Variant type: single nucleotide variant.
Coding change: c.2673C>G on transcript NM_015466.4 (MANE Select); coding-DNA position 2673, C replaced by G.
Protein change: p.Ile891Met; replaces isoleucine 891 with methionine.
Molecular consequence: missense variant.
Genome position (GRCh38, 1-based): chr3:47,410,471, C>G. VCF-style: chr3-47410471-C-G. GRCh37 (hg19) VCF-style: chr3-47451961-C-G.
Other names: c.2295C>G, p.Ile765Met (NM_001304482.2); c.2673C>G (NM_015466.2); short protein forms I765M, I891M.
Identifiers: ClinVar variation 1371693 (VCV001371693.6), dbSNP rs760796648, ClinGen allele CA2366101.